The following is an entry in ClinVar:

ClinVar aggregate classification (germline): Pathogenic/Likely pathogenic. Review status: criteria provided, multiple submitters, no conflicts (2 of 4 stars). 7 submissions from 7 submitters: Pathogenic (3); Likely pathogenic (4). Last evaluated 2026-05-18.

Conditions:
Hypophosphatasia. Also called: Phosphoethanol-aminuria. Identifiers: Orphanet 436, MedGen C0020630, MeSH D007014, MONDO:0018570.
Osteogenesis imperfecta (OI). Identifiers: Orphanet 666, MedGen C0029434, MeSH D010013, MONDO:0019019.
Adult hypophosphatasia. Identifiers: Orphanet 247676, Orphanet 436, MedGen C0268413, MONDO:1010154, OMIM 146300, MONDO:0007798.

Allele frequency attached by ClinVar (database versions not stated): TOPMed below 0.00001; gnomAD 0.00001; gnomAD exomes 0.00002.
gnomAD v4.1: 33 of 1,613,478 alleles (0.002%); highest among the groups gnomAD compares: Non-Finnish European, 0.0026%; no homozygotes.

Submissions (7):

Myriad Genetics, Inc.
Classification: Likely pathogenic for Hypophosphatasia. Last evaluated: 2026-05-18. Review status: criteria provided, single submitter. Criteria: Myriad Autosomal Dominant, Autosomal Recessive and X-Linked Classification Criteria (2023). Collection method: clinical testing. Allele origin: unknown.
Comment: NM_000478.4(ALPL):c.227A>G(Q76R) is a missense variant classified as likely pathogenic in the context of hypophosphatasia. Please note that Q76R is associated with autosomal dominant hypophosphatasia. The reproductive risk may be as high as 50%. Q76R has been observed in cases with relevant disease (PMID: 18925618, 32973344, 32973344, 37118032). Relevant functional assessments of this variant are available in the literature (PMID: 32160374). Q76R has not been observed in referenced population frequency databases. In summary, NM_000478.4(ALPL):c.227A>G(Q76R) is a missense variant that has functional support for pathogenicity and has been observed more frequently in cases with the relevant disease than in healthy populations. Please note: this variant was assessed in the context of healthy population screening.

Labcorp Genetics (formerly Invitae), Labcorp
Classification: Pathogenic. Last evaluated: 2026-01-19. Review status: criteria provided, single submitter. Criteria: Invitae Variant Classification Sherloc (09022015). Collection method: clinical testing. Allele origin: germline.
Comment: This sequence change replaces glutamine, which is neutral and polar, with arginine, which is basic and polar, at codon 76 of the ALPL protein (p.Gln76Arg). This variant is not present in population databases (gnomAD no frequency). This missense change has been observed in individual(s) with clinical features of hypophosphatasia (PMID: 11395499, 30138938, 32160374; internal data). In at least one individual the data is consistent with being in trans (on the opposite chromosome) from a pathogenic variant. This variant is also known as Q59R. ClinVar contains an entry for this variant (Variation ID: 381585). Invitae Evidence Modeling of protein sequence and biophysical properties (such as structural, functional, and spatial information, amino acid conservation, physicochemical variation, residue mobility, and thermodynamic stability) indicates that this missense variant is expected to disrupt ALPL protein function with a positive predictive value of 95%. Experimental studies have shown that this missense change affects ALPL function (PMID: 32160374). For these reasons, this variant has been classified as Pathogenic.

Natera, Inc.
Classification: Pathogenic for Hypophosphatasia. Last evaluated: 2025-10-27. Review status: criteria provided, single submitter. Criteria: Natera Variant Classification Schema (03/2026). Collection method: clinical testing. Allele origin: germline.
Comment: The c.227A>G variant in ALPL is a missense variant predicted to cause substitution of glutamine to arginine at amino acid 76. This variant is rare in the general population with a frequency below the threshold expected for the associated phenotype(s). This variant has been observed in one or more individuals affected with the associated recessive disease, as either homozygous or compound heterozygous with a second variant (PMID: 32973344). Additionally, this variant has been observed to segregate in affected family members (PMID: 39102795). Functional studies show that this variant may disrupt protein function (PMID: 32160374). Computational prediction algorithms indicate this variant is likely to affect gene or protein function. Given the available evidence, this variant is classified as Pathogenic.

Genomenon, Inc
Classification: Pathogenic for Hypophosphatasia. Last evaluated: 2025-08-29. Review status: criteria provided, single submitter. Criteria: Genomenon Sequence Variant Interpretation Standards. Collection method: curation. Allele origin: germline. Affected: yes.
Comment: ALPL c.227A>G is a missense variant that changes the amino acid at residue 76 from Glutamine to Arginine. This variant has been observed in multiple probands affected with hypophosphatasia (PMID:38884565;32973344;37118032;18925618). At least one functional study has demonstrated a substantial alteration in protein function relative to the wild-type (PMID:32160374). This variant is also reported as Gln59Arg in the literature. It is absent or not present at a significant frequency in gnomAD. In silico models agree that this variant is possibly or probably damaging. In conclusion, we classify ALPL p.Gln76Arg (c.227A>G) as a pathogenic variant.

GeneDx
Classification: Likely pathogenic. Last evaluated: 2024-11-12. Review status: criteria provided, single submitter. Criteria: GeneDx Variant Classification Process June 2021. Collection method: clinical testing. Allele origin: germline. Affected: yes.
Comment: The Q76R variant in the ALPL gene, denoted as Q59R in the TNAP gene due to alternative nomenclature, has been reported previously in a mutagenesis study to be a variant classified as having moderate severity; however, no other information was provided regarding the proband or proband's phenotype with this variant (Mornet et al., 2001). The Q76R variant was not observed in approximately 6,500 individuals of European and African American ancestry in the NHLBI Exome Sequencing Project, indicating it is not a common benign variant in these populations. The Q76R variant is a semi-conservative amino acid substitution, which may impact secondary protein structure as these residues differ in some properties. This substitution occurs at a position that is conserved across species. In silico analysis predicts this variant is probably damaging to the protein structure/function. We interpret Q76R as a variant of uncertain significance.

Baylor Genetics
Classification: Likely pathogenic for Adult hypophosphatasia. Last evaluated: 2023-12-14. Review status: criteria provided, single submitter. Criteria: ACMG Guidelines, 2015. Collection method: clinical testing. Allele origin: unknown.

Genome Diagnostics Laboratory, The Hospital for Sick Children
Classification: Likely pathogenic for Osteogenesis imperfecta. Last evaluated: 2020-05-01. Review status: criteria provided, single submitter. Criteria: ACMG Guidelines, 2015. Collection method: clinical testing. Allele origin: germline.

Literature cited by the submitters: PubMed 18925618 (cited by Myriad Genetics, Inc. and Genomenon, Inc); PubMed 32160374 (cited by 4 submitters); PubMed 32973344 (cited by 3 submitters); PubMed 37118032 (cited by Myriad Genetics, Inc. and Genomenon, Inc); PubMed 11395499 (cited by Labcorp Genetics (formerly Invitae), Labcorp); PubMed 30138938 (cited by Labcorp Genetics (formerly Invitae), Labcorp); PubMed 39102795 (cited by Natera, Inc.); PubMed 38884565 (cited by Genomenon, Inc).

NM_000478.6(ALPL):c.227A>G (p.Gln76Arg)

Gene: ALPL (alkaline phosphatase, biomineralization associated; plus strand). Cytogenetic location: 1p36.12.
Variant type: single nucleotide variant.
Coding change: c.227A>G on transcript NM_000478.6 (MANE Select); coding-DNA position 227, A replaced by G.
Protein change: p.Gln76Arg; replaces glutamine 76 with arginine.
Molecular consequence: missense variant. On other transcripts: intron variant (1).
Genome position (GRCh38, 1-based): chr1:21,561,142, A>G. VCF-style: chr1-21561142-A-G. GRCh37 (hg19) VCF-style: chr1-21887635-A-G.
Other names: c.62A>G, p.Gln21Arg (NM_001127501.4); c.227A>G, p.Gln76Arg (NM_001369803.2, NM_001369804.2, NM_001369805.2); c.66+397A>G (NM_001177520.3); short protein forms Q76R, Q21R.
Identifiers: ClinVar variation 381585 (VCV000381585.16), dbSNP rs1057521085, ClinGen allele CA16603529.
Genomic context (GRCh38, chr1:21,561,142, plus strand): 5'-CACTCCCCACTGCAGGGATGGGTGTCTCCACAGTGACGGCTGCCCGCATCCTCAAGGGTC[A>G]GCTCCACCACAACCCTGGGGAGGAGACCAGGCTGGAGATGGACAAGTTCCCCTTCGTGGC-3'
Protein context (NP_000469.3, residues 66-86): TVTAARILKG[Gln76Arg]LHHNPGEETR